The following is an entry in ClinVar:

ClinVar aggregate classification (germline): Likely benign. Review status: criteria provided, multiple submitters, no conflicts (2 of 4 stars). 3 submissions from 3 submitters: Likely benign (3). Last evaluated 2025-06-22.

Conditions:
Retinoblastoma (RB1). Also called: RETINOBLASTOMA, SOMATIC. Identifiers: Orphanet 790, MedGen C0035335, MeSH D012175, MONDO:0008380, OMIM 180200, HP:0009919. Disease mechanism: loss of function. Inheritance: Both sporadic and heritable forms are tested..

Allele frequency attached by ClinVar (database versions not stated): gnomAD exomes below 0.00001.
gnomAD v4.1: 4 of 1,575,912 alleles (0.00025%); highest among the groups gnomAD compares: Non-Finnish European, 0.00035%; no homozygotes.

Submissions (3):

Labcorp Genetics (formerly Invitae), Labcorp
Classification: Likely benign for Retinoblastoma. Last evaluated: 2025-06-22. Review status: criteria provided, single submitter. Criteria: Invitae Variant Classification Sherloc (09022015). Collection method: clinical testing. Allele origin: germline.

All of Us Research Program, National Institutes of Health
Classification: Likely benign for Retinoblastoma. Last evaluated: 2024-06-11. Review status: criteria provided, single submitter. Criteria: ACMG Guidelines, 2015. Collection method: clinical testing. Allele origin: germline. Inheritance: Autosomal dominant inheritance. Observed: 5 variant alleles, 5 heterozygotes.
Comment: This study involves interpretation of variants in research participants for the purpose of population health screening. Participant phenotype was not available at the time of variant classification. Additional details can be found in publication PMID: 35346344, PMCID: PMC8962531

Color Diagnostics, LLC DBA Color Health
Classification: Likely benign for Retinoblastoma. Last evaluated: 2023-04-17. Review status: criteria provided, single submitter. Criteria: ACMG Guidelines, 2015. Collection method: clinical testing. Allele origin: germline.

NM_000321.3(RB1):c.501-9T>C

Gene: RB1 (RB transcriptional corepressor 1; plus strand). Cytogenetic location: 13q14.2.
Variant type: single nucleotide variant.
Coding change: c.501-9T>C on transcript NM_000321.3 (MANE Select); 9 bases into the intron before coding-DNA position 501, T replaced by C.
Molecular consequence: intron variant.
Genome position (GRCh38, 1-based): chr13:48,347,816, T>C. VCF-style: chr13-48347816-T-C. GRCh37 (hg19) VCF-style: chr13-48921952-T-C.
Identifiers: ClinVar variation 697742 (VCV000697742.12), dbSNP rs1593437266, ClinGen allele CA915948641.